The following is an entry in ClinVar:

ClinVar aggregate classification (germline): Uncertain significance. Review status: criteria provided, multiple submitters, no conflicts (2 of 4 stars). 4 submissions from 4 submitters: Uncertain significance (4). Last evaluated 2025-11-03.

Conditions:
Familial thoracic aortic aneurysm and aortic dissection (TAAD). Also called: Thoracic aortic aneurysms and dissections. Identifiers: Orphanet 91387, MedGen C4707243, MONDO:0019625.
Marfan syndrome (MFS). Also called: MARFAN SYNDROME, TYPE I; Marfan syndrome type 1; Marfan's syndrome; Marfan syndrome, classic; FBN1-Related Marfan Syndrome. Identifiers: Orphanet 284963, Orphanet 558, MedGen C0024796, MONDO:0007947, OMIM 154700.

Allele frequency attached by ClinVar (database versions not stated): gnomAD 0.00001; gnomAD exomes below 0.00001; TOPMed below 0.00001.
gnomAD v4.1: 2 of 1,614,108 alleles (0.00012%); highest among the groups gnomAD compares: African/African-American, 0.0027%; no homozygotes.

Submissions (4):

Ambry Genetics
Classification: Uncertain significance for Familial thoracic aortic aneurysm and aortic dissection. Last evaluated: 2025-11-03. Review status: criteria provided, single submitter. Criteria: Ambry Variant Classification Scheme 2023. Collection method: clinical testing. Allele origin: germline.
Comment: The p.G664E variant (also known as c.1991G>A), located in coding exon 16 of the FBN1 gene, results from a G to A substitution at nucleotide position 1991. The glycine at codon 664 is replaced by glutamic acid, an amino acid with similar properties. This amino acid position is well conserved in available vertebrate species. In addition, this alteration is predicted to be deleterious by in silico analysis. Since supporting evidence is limited at this time, the clinical significance of this alteration remains unclear.

All of Us Research Program, National Institutes of Health
Classification: Uncertain significance for Marfan syndrome. Last evaluated: 2024-07-20. Review status: criteria provided, single submitter. Criteria: ACMG Guidelines, 2015. Collection method: clinical testing. Allele origin: germline. Inheritance: Autosomal dominant inheritance. Observed: 3 variant alleles, 3 heterozygotes.
Comment: This missense variant replaces glycine with glutamic acid at codon 664 of the FBN1 protein. Computational prediction is inconclusive regarding the impact of this variant on protein structure and function (internally defined REVEL score threshold 0.5 < inconclusive < 0.7, PMID: 27666373). To our knowledge, functional studies have not been reported for this variant. This variant has not been reported in individuals affected with FBN1-related disorders in the literature. This variant has been identified in 2/282862 chromosomes in the general population by the Genome Aggregation Database (gnomAD). The available evidence is insufficient to determine the role of this variant in disease conclusively. Therefore, this variant is classified as a Variant of Uncertain Significance.

This study involves interpretation of variants in research participants for the purpose of population health screening. Participant phenotype was not available at the time of variant classification. Additional details can be found in publication PMID: 35346344, PMCID: PMC8962531

Color Diagnostics, LLC DBA Color Health
Classification: Uncertain significance for Familial thoracic aortic aneurysm and aortic dissection. Last evaluated: 2024-06-11. Review status: criteria provided, single submitter. Criteria: ACMG Guidelines, 2015. Collection method: clinical testing. Allele origin: germline.
Comment: This missense variant replaces glycine with glutamic acid at codon 664 of the FBN1 protein. Computational prediction is inconclusive regarding the impact of this variant on protein structure and function. To our knowledge, functional studies have not been reported for this variant. This variant has not been reported in individuals affected with FBN1-related disorders in the literature. This variant has been identified in 2/282862 chromosomes in the general population by the Genome Aggregation Database (gnomAD). The available evidence is insufficient to determine the role of this variant in disease conclusively. Therefore, this variant is classified as a Variant of Uncertain Significance.

GeneDx
Classification: Uncertain significance. Last evaluated: 2020-01-20. Review status: criteria provided, single submitter. Criteria: GeneDx Variant Classification Process June 2021. Collection method: clinical testing. Allele origin: germline. Affected: yes.
Comment: Has not been previously published as pathogenic or benign to our knowledge; Not observed at a significant frequency in large population cohorts (Lek et al., 2016); In silico analysis, which includes protein predictors and evolutionary conservation, supports a deleterious effect

NM_000138.5(FBN1):c.1991G>A (p.Gly664Glu)

Gene: FBN1 (fibrillin 1; minus strand). Cytogenetic location: 15q21.1.
Variant type: single nucleotide variant.
Coding change: c.1991G>A on transcript NM_000138.5 (MANE Select); coding-DNA position 1991, G replaced by A.
Protein change: p.Gly664Glu; replaces glycine 664 with glutamic acid.
Molecular consequence: missense variant.
Genome position (GRCh38, 1-based): chr15:48,503,909, C>T on the plus strand (G>A on the coding strand, the complement: FBN1 is on the minus strand). VCF-style: chr15-48503909-C-T. GRCh37 (hg19) VCF-style: chr15-48796106-C-T.
Other names: short protein forms G664E.
Identifiers: ClinVar variation 1194355 (VCV001194355.8), dbSNP rs1436966674, ClinGen allele CA392338738.